The following is an entry in ClinVar:

ClinVar aggregate classification (germline): Conflicting classifications of pathogenicity. Review status: criteria provided, conflicting classifications (1 of 4 stars). 24 submissions from 24 submitters: Pathogenic (1); Likely pathogenic (5); Uncertain significance (10); Likely benign (3). 5 of the submissions do not count toward it. Last evaluated 2026-08-06.

Conditions:
Alport syndrome 3b, autosomal recessive. Identifiers: MedGen C5882699, MONDO:0957811, OMIM 620536.
Hematuria, benign familial, 2 (BFH2). Identifiers: MedGen C5830421, MONDO:0958186, OMIM 620320.
focal and segmental glomerulosclerosis.
Autosomal dominant Alport syndrome (ATS3A). Also called: Alport syndrome dominant type; Renal failure and sensorineural hearing loss; ALPORT SYNDROME 3A, AUTOSOMAL DOMINANT. Identifiers: Orphanet 63, Orphanet 88918, MedGen C5882663, MONDO:0007086, OMIM 104200.
Autosomal recessive Alport syndrome (ATS2). Also called: COL4A3-Related Nephropathy; COL4A4 Alport Syndrome and Thin Basement Membrane Nephropathy; ALPORT SYNDROME 2, AUTOSOMAL RECESSIVE; Alport syndrome type 2. Identifiers: Orphanet 63, Orphanet 88919, MedGen C4746745, MONDO:0008762, OMIM 203780.
COL4A3-related disorder. Also called: COL4A3-Related Disorders; COL4A3-related condition.
Alport syndrome. Also called: Hemorrhagic familial nephritis; Hemorrhagic hereditary nephritis; Congenital hereditary hematuria. Identifiers: Orphanet 63, MedGen C1567741, MONDO:0018965.

Allele frequency attached by ClinVar (database versions not stated): gnomAD exomes 0.00038 and 0.00031; gnomAD 0.00035 and 0.00032; TOPMed 0.00039; 1000 Genomes Project 0.00060; 1000 Genomes Project 30x 0.00062; ESP Exome Variant Server 0.00017; ExAC 0.00034.
gnomAD v4.1: 524 of 1,614,042 alleles (0.032%); highest among the groups gnomAD compares: Middle Eastern, 0.18%; 2 homozygotes.

Submissions 1 to 5 of 24:

OLLIN Analises Genomicas, OLLIN
Classification: Uncertain significance for Hematuria, benign familial, 2. Last evaluated: 2026-08-06. Review status: criteria provided, single submitter. Criteria: ACMG Guidelines 2015 PMID 25741868. Collection method: clinical testing. Allele origin: germline. Inheritance: Autosomal dominant inheritance.
Comment: This missense variant, located in exon 43 (of 52), has been reported in ClinVar (accession VCV000555905.50) and in gnomAD with an allele frequency of 0.032%. However, to our knowledge, it has not been reported in the scientific literature. In silico analysis predicts that this variant has a deleterious effect. According to the currently available evidence, this variant has been classified as uncertain significance (PP1, PP3_S).

PreventionGenetics, part of Exact Sciences
Classification: Likely pathogenic for COL4A3-related condition. Last evaluated: 2026-04-30. Review status: criteria provided, single submitter. Criteria: ACMG Guidelines, 2015. Collection method: clinical testing. Allele origin: germline.
Comment: The COL4A3 c.3829G>A variant is predicted to result in the amino acid substitution p.Gly1277Ser. This variant has been reported in the heterozygous state in a patient with Alport syndrome (Heidet et al. 2001. PubMed ID: 11134255), and in the heterozygous state in patients with Alport syndrome from three families in which potentially pathogenic variants in COL4A4 and COL4A5 were also identified (Fallerini et al. 2017. PubMed ID: 27859054). This variant has also been reported in patients with steroid-resistant nephrotic syndrome and/or focal segmental glomerulosclerosis, although in some of these patients potentially pathogenic variants in other genes were again also identified (Bullich et al. 2014. PubMed ID: 25407002; Table D, Larsen et al. 2016. PubMed ID: 26795916; Table 2 in Yavaş et al. 2022. PubMed ID: 36134775). The c.3829G>A has been reported in the compound heterozygous, heterozygous or with a COL4A4 variant in additional individuals with COL4A3-related phenotypes (Cambier et al. 2021. PubMed ID: 34013111; Table S2. Domingo-Gallego et al. 2022. PubMed ID: 33532864). Using the Genomics England 100,000 Genomes Project database, one study found 2 individuals heterozygous for c.3829G>A with hematuria, while there were 28 heterozygous individuals without hematuria reported in clinical records (Supp. Table 4 in Gibson et al. 2021. PubMed ID: 34400539). This variant resides in the collagen triple helix repeat, where glycine substitutions are expected to be pathogenic (Savige et al. 2021. PubMed ID: 33854215). This variant is reported in 0.090% of alleles in individuals of Latino descent in gnomAD. While this variant does not appear to be a highly penetrant, dominant variant, it is observed in a significant number of patients with nephrological disorders and occurs at a Gly residue. This variant is interpreted as likely pathogenic.

Labcorp Genetics (formerly Invitae), Labcorp
Classification: Likely benign. Last evaluated: 2026-01-27. Review status: criteria provided, single submitter. Criteria: Invitae Variant Classification Sherloc (09022015). Collection method: clinical testing. Allele origin: germline.

GeneDx
Classification: Uncertain significance. Last evaluated: 2025-12-26. Review status: criteria provided, single submitter. Criteria: GeneDx Variant Classification Process June 2021. Collection method: clinical testing. Allele origin: germline. Affected: yes.
Comment: Identified in the heterozygous state in patients in published literature with focal segmental glomerulosclerosis or Alport syndrome (PMID: 11134255, 26795916); Identified in patients with childhood IgA-nephropathy, which may present as a phenocopy of Alport syndrome with microhematuria, proteinuria, and end-stage renal disease (PMID: 34013111); Identified in a patient in published literature with congenital nephrotic syndrome who also harbored two variants in the NPHS1 gene (PMID: 25407002); Observed in homozygous state in a patient with bilateral prelingual sensorineural hearing loss in the literature (PMID: 35301649); Proposed to act in a digenic manner with variants in COL4A4 and COL4A5 in multiple families with features of Alport syndrome, resulting in a more severe phenotype; however, disease segregation in these families may be unrelated to the COL4A3 variant (PMID: 27859054); In silico analysis supports that this missense variant has a deleterious effect on protein structure/function; This variant is associated with the following publications: (PMID: 38972501, 29924831, 26795916, 35177655, 32483926, 34400539, 36617405, 25407002, 34013111, 11134255, 33532864, 36938085, 33838161, 36134775, 30476936, 35301649, 27859054, 39810285, 38471460, 39408606, 38357258, 41288877)

Victorian Clinical Genetics Services, Murdoch Childrens Research Institute
Classification: Likely pathogenic for Alport syndrome. Last evaluated: 2025-08-13. Review status: criteria provided, single submitter. Criteria: ACMG Guidelines, 2015. Collection method: clinical testing. Allele origin: germline. Affected: yes.
Comment: This variant is classified as Likely pathogenic. Evidence in support of pathogenic classification: Variant is present in gnomAD <0.01 (v4: 520 heterozygote(s), 2 homozygote(s)); Variant is located in the well-established functional G-X-Y repeat motif (DECIPHER); Missense variant predicted to be damaging by in silico tool(s) or highly conserved with a major amino acid change. Additional information: Variant is predicted to result in a missense amino acid change from glycine to serine; This variant is heterozygous; This gene is associated with both recessive and dominant Alport syndrome (MONDO:0018965), COL4A3-related; Previous reports of pathogenicity for this variant are conflicting. This variant has been classified as likely benign, likely pathogenic, and as a VUS by clinical laboratories (ClinVar). In affected individuals, it has been reported by itself in the heterozygous state and also in combination with additional variants in COL4A4, COL4A5, and other genes and classified as pathogenic or as a VUS (PMIDs: 11134255, 27859054, 33838161, 35759000, 36134775, 33532864, 36938085, 38868576). It is unclear if parents and sister of the individual, who are heterozygous for this variant have abnormal kidney function (PMID: 35301649); No published functional evidence has been identified for this variant; No comparable missense variants have previous evidence for pathogenicity; Dominant negative and loss of function are known mechanisms of disease in this gene and are associated with Alport syndrome (MONDO:0018965), COL4A3-related. Glycine changes that are part of a G-X-Y repeat in the triple helix of a collagen domain are known to have a dominant negative effect (PMID: 12028435); Inheritance information for this variant is not currently available in this individual.

NM_000091.5(COL4A3):c.3829G>A (p.Gly1277Ser)

Genes: COL4A3 (collagen type IV alpha 3 chain; plus strand), MFF-DT (MFF divergent transcript; minus strand). Cytogenetic location: 2q36.3.
Variant type: single nucleotide variant.
Coding change: c.3829G>A on transcript NM_000091.5 (MANE Select); coding-DNA position 3829, G replaced by A.
Protein change: p.Gly1277Ser; replaces glycine 1277 with serine.
Molecular consequence: missense variant.
Genome position (GRCh38, 1-based): chr2:227,298,759, G>A. VCF-style: chr2-227298759-G-A. GRCh37 (hg19) VCF-style: chr2-228163475-G-A.
Other names: p.Gly1277Ser; short protein forms G1277S.
Identifiers: ClinVar variation 555905 (VCV000555905.52), dbSNP rs190598500, ClinGen allele CA2147362.